The following is an entry in ClinVar:

NM_025137.4(SPG11):c.5249C>T (p.Ser1750Phe)

Genes: SPG11 (SPG11 vesicle trafficking associated, spatacsin; minus strand), LOC130056971 (ATAC-STARR-seq lymphoblastoid silent region 6398; plus strand). Cytogenetic location: 15q21.1.
Variant type: single nucleotide variant.
Coding change: c.5249C>T on transcript NM_025137.4 (MANE Select); coding-DNA position 5249, C replaced by T.
Protein change: p.Ser1750Phe; replaces serine 1750 with phenylalanine.
Molecular consequence: missense variant.
Genome position (GRCh38, 1-based): chr15:44,584,431, G>A on the plus strand (C>T on the coding strand, the complement: SPG11 is on the minus strand). VCF-style: chr15-44584431-G-A. GRCh37 (hg19) VCF-style: chr15-44876629-G-A.
Other names: c.5249C>T, p.Ser1750Phe (NM_001160227.2); short protein forms S1750F.
Identifiers: ClinVar variation 960697 (VCV000960697.10), dbSNP rs1051920299, ClinGen allele CA270080364.

ClinVar aggregate classification (germline): Uncertain significance. Review status: criteria provided, multiple submitters, no conflicts (2 of 4 stars). 3 submissions from 3 submitters: Uncertain significance (3). Last evaluated 2025-01-28.

Conditions:
Inborn genetic diseases. Identifiers: MedGen C0950123, MeSH D030342.
Hereditary spastic paraplegia 11. Also called: Nakamura Osame syndrome; Autosomal recessive hereditary spastic paraplegia, mental impairment, and thin corpus callosum; Spastic paraplegia, mental retardation and thin corpus callosum; SPASTIC PARAPLEGIA, AUTOSOMAL RECESSIVE, COMPLICATED, WITH THIN CORPUS CALLOSUM; SPASTIC PARAPLEGIA, AUTOSOMAL RECESSIVE, WITH MENTAL IMPAIRMENT AND THIN CORPUS CALLOSUM; Spastic Paraplegia 11. Identifiers: Orphanet 2822, MedGen C1858479, MONDO:0011445, OMIM 604360.

Allele frequency attached by ClinVar (database versions not stated): gnomAD 0.00001; gnomAD exomes 0.00001; TOPMed 0.00001.
gnomAD v4.1: 13 of 1,614,092 alleles (0.00081%); highest among the groups gnomAD compares: Non-Finnish European, 0.001%; no homozygotes.

Submissions (3):

GeneDx
Classification: Uncertain significance. Last evaluated: 2025-01-28. Review status: criteria provided, single submitter. Criteria: GeneDx Variant Classification Process June 2021. Collection method: clinical testing. Allele origin: germline. Affected: yes.
Comment: Not observed at significant frequency in large population cohorts (gnomAD); In silico analysis indicates that this missense variant does not alter protein structure/function; Has not been previously published as pathogenic or benign to our knowledge

Labcorp Genetics (formerly Invitae), Labcorp
Classification: Uncertain significance for Hereditary spastic paraplegia 11. Last evaluated: 2022-07-10. Review status: criteria provided, single submitter. Criteria: Invitae Variant Classification Sherloc (09022015). Collection method: clinical testing. Allele origin: germline.
Comment: This sequence change replaces serine, which is neutral and polar, with phenylalanine, which is neutral and non-polar, at codon 1750 of the SPG11 protein (p.Ser1750Phe). This variant is not present in population databases (gnomAD no frequency). This variant has not been reported in the literature in individuals affected with SPG11-related conditions. ClinVar contains an entry for this variant (Variation ID: 960697). Algorithms developed to predict the effect of missense changes on protein structure and function are either unavailable or do not agree on the potential impact of this missense change (SIFT: "Deleterious"; PolyPhen-2: "Probably Damaging"; Align-GVGD: "Class C15"). Algorithms developed to predict the effect of sequence changes on RNA splicing suggest that this variant may disrupt the consensus splice site. In summary, the available evidence is currently insufficient to determine the role of this variant in disease. Therefore, it has been classified as a Variant of Uncertain Significance.

Ambry Genetics
Classification: Uncertain significance for Inborn genetic diseases. Last evaluated: 2020-03-05. Review status: criteria provided, single submitter. Criteria: Ambry Variant Classification Scheme 2023. Collection method: clinical testing. Allele origin: germline.
Comment: The p.S1750F variant (also known as c.5249C>T), located in coding exon 30 of the SPG11 gene, results from a C to T substitution at nucleotide position 5249. The serine at codon 1750 is replaced by phenylalanine, an amino acid with highly dissimilar properties. This amino acid position is not well conserved in available vertebrate species. In addition, this alteration is predicted to be tolerated by in silico analysis. Since supporting evidence is limited at this time, the clinical significance of this alteration remains unclear.